The following is an entry in ClinVar:

NM_000137.4(FAH):c.910A>T (p.Lys304Ter)

Gene: FAH (fumarylacetoacetate hydrolase; plus strand). Cytogenetic location: 15q25.1.
Variant type: single nucleotide variant.
Coding change: c.910A>T on transcript NM_000137.4 (MANE Select); coding-DNA position 910, A replaced by T.
Protein change: p.Lys304Ter; replaces lysine 304 with a stop codon.
Molecular consequence: nonsense.
Genome position (GRCh38, 1-based): chr15:80,175,088, A>T. VCF-style: chr15-80175088-A-T. GRCh37 (hg19) VCF-style: chr15-80467430-A-T.
Other names: c.910A>T, p.Lys304Ter (NM_001374377.1, NM_001374380.1); short protein forms K304*.
Identifiers: ClinVar variation 984268 (VCV000984268.6), dbSNP rs2041271608, ClinGen allele CA393621357.

ClinVar aggregate classification (germline): Pathogenic/Likely pathogenic. Review status: criteria provided, multiple submitters, no conflicts (2 of 4 stars). 2 submissions from 2 submitters: Pathogenic (1); Likely pathogenic (1). Last evaluated 2023-07-31.

Conditions:
Tyrosinemia type I (TYRSN1). Also called: FAH DEFICIENCY; Tyrosinemia type 1; Fumarylacetoacetase deficiency; Deficiency of fumarylacetoacetase; HEPATORENAL TYROSINEMIA. Identifiers: Orphanet 882, MedGen C0268490, MONDO:0010161, OMIM 276700. Disease mechanism: loss of function.

Submissions (2):

Labcorp Genetics (formerly Invitae), Labcorp
Classification: Pathogenic for Tyrosinemia type I. Last evaluated: 2023-07-31. Review status: criteria provided, single submitter. Criteria: Invitae Variant Classification Sherloc (09022015). Collection method: clinical testing. Allele origin: germline.
Comment: For these reasons, this variant has been classified as Pathogenic. ClinVar contains an entry for this variant (Variation ID: 984268). This variant has not been reported in the literature in individuals affected with FAH-related conditions. This variant is not present in population databases (gnomAD no frequency). This sequence change creates a premature translational stop signal (p.Lys304*) in the FAH gene. It is expected to result in an absent or disrupted protein product. Loss-of-function variants in FAH are known to be pathogenic (PMID: 9101289, 9633815).

Myriad Genetics, Inc.
Classification: Likely pathogenic for Tyrosinemia type I. Last evaluated: 2019-01-28. Review status: criteria provided, single submitter. Criteria: Myriad Women's Health Autosomal Recessive and X-Linked Classification Criteria (2019). Collection method: clinical testing. Allele origin: unknown.
Comment: NM_000137.2(FAH):c.910A>T(K304*) is expected to be pathogenic in the context of tyrosinemia type I. This variant is predicted to lead to an abnormal or absent protein product due to the creation of a premature termination codon in FAH, a gene where loss-of-function variants are known to be pathogenic. Please note: this variant was assessed in the context of healthy population screening.

Literature cited by the submitters: PubMed 9101289 (cited by Labcorp Genetics (formerly Invitae), Labcorp); PubMed 9633815 (cited by Labcorp Genetics (formerly Invitae), Labcorp).